The following is an entry in ClinVar:

ClinVar aggregate classification (germline): Pathogenic (1 of 4 stars; one submission).

Conditions:
Glycogen storage disease, type II (IOPD). Also called: CARDIOMEGALIA GLYCOGENICA DIFFUSA; GLYCOGENOSIS, GENERALIZED, CARDIAC FORM; GSD II; POMPE DISEASE, INFANTILE-ONSET; GLYCOGEN STORAGE DISEASE II, INFANTILE-ONSET; ACID ALPHA-GLUCOSIDASE DEFICIENCY, INFANTILE-ONSET. Identifiers: Orphanet 365, MedGen C0017921, MONDO:0009290, OMIM 232300.

Submission:

Labcorp Genetics (formerly Invitae), Labcorp
Classification: Pathogenic for Glycogen storage disease, type II. Last evaluated: 2023-06-24. Review status: criteria provided, single submitter. Criteria: Invitae Variant Classification Sherloc (09022015). Collection method: clinical testing. Allele origin: germline.
Comment: This variant is a gross deletion of the genomic region encompassing exon(s) 2-3 of the GAA gene, which includes the initiator codon. This deletion extends beyond the assayed region for this gene and therefore may encompass additional genes. It is expected to result in an absent or disrupted protein product. Loss-of-function variants in GAA are known to be pathogenic (PMID: 18425781, 22252923). For these reasons, this variant has been classified as Pathogenic. A similar copy number variant has been observed in individual(s) with glycogen storage disease type II (PMID: 22252923).

Literature cited by the submitters: PubMed 18425781; PubMed 22252923.

NC_000017.11:g.(?_80104542)_(80105914_?)del

Gene: GAA (alpha glucosidase; plus strand). Cytogenetic location: 17q25.3.
Variant type: Deletion.
Identifiers: ClinVar variation 526556 (VCV000526556.3).